The following is an entry in ClinVar:

NM_001378030.1(CCDC78):c.1037G>A (p.Ser346Asn)

Gene: CCDC78 (coiled-coil domain containing 78; minus strand). Cytogenetic location: 16p13.3.
Variant type: single nucleotide variant.
Coding change: c.1037G>A on transcript NM_001378030.1 (MANE Select); coding-DNA position 1037, G replaced by A.
Protein change: p.Ser346Asn; replaces serine 346 with asparagine.
Molecular consequence: missense variant. On other transcripts: non-coding transcript variant (5), intron variant (1).
Genome position (GRCh38, 1-based): chr16:724,122, C>T on the plus strand (G>A on the coding strand, the complement: CCDC78 is on the minus strand). VCF-style: chr16-724122-C-T. GRCh37 (hg19) VCF-style: chr16-774122-C-T.
Other names: c.1037G>A, p.Ser346Asn (NM_001031737.3); c.470G>A, p.Ser157Asn (NM_001378033.1); c.953+200G>A (NM_001378031.1); short protein forms S346N, S157N.
Identifiers: ClinVar variation 2131802 (VCV002131802.4), dbSNP rs2543990378, ClinGen allele CA394098775.

ClinVar aggregate classification (germline): Uncertain significance (1 of 4 stars; one submission).

Conditions:
Congenital myopathy with internal nuclei and atypical cores. Also called: Myopathy, centronuclear, 4. Identifiers: Orphanet 319160, MedGen C4707232, MONDO:0013890, OMIM 614807.

gnomAD v4.1: 1 of 1,598,838 alleles (0.000063%); highest among the groups gnomAD compares: Middle Eastern, 0.017%; no homozygotes.

Submission:

Labcorp Genetics (formerly Invitae), Labcorp
Classification: Uncertain significance for Congenital myopathy with internal nuclei and atypical cores. Last evaluated: 2022-04-29. Review status: criteria provided, single submitter. Criteria: Invitae Variant Classification Sherloc (09022015). Collection method: clinical testing. Allele origin: germline.
Comment: In summary, the available evidence is currently insufficient to determine the role of this variant in disease. Therefore, it has been classified as a Variant of Uncertain Significance. Algorithms developed to predict the effect of missense changes on protein structure and function are either unavailable or do not agree on the potential impact of this missense change (SIFT: "Tolerated"; PolyPhen-2: "Probably Damaging"; Align-GVGD: "Class C0"). This variant has not been reported in the literature in individuals affected with CCDC78-related conditions. This variant is not present in population databases (gnomAD no frequency). This sequence change replaces serine, which is neutral and polar, with asparagine, which is neutral and polar, at codon 346 of the CCDC78 protein (p.Ser346Asn).